The following is an entry in ClinVar:

NM_024757.5(EHMT1):c.2866G>A (p.Val956Ile)

Gene: EHMT1 (euchromatic histone lysine methyltransferase 1; plus strand). Cytogenetic location: 9q34.3.
Variant type: single nucleotide variant.
Coding change: c.2866G>A on transcript NM_024757.5 (MANE Select); coding-DNA position 2866, G replaced by A.
Protein change: p.Val956Ile; replaces valine 956 with isoleucine.
Molecular consequence: missense variant.
Genome position (GRCh38, 1-based): chr9:137,811,614, G>A. VCF-style: chr9-137811614-G-A. GRCh37 (hg19) VCF-style: chr9-140706066-G-A.
Other names: c.2845G>A, p.Val949Ile (NM_001354263.2); short protein forms V949I, V956I.
Identifiers: ClinVar variation 3016227 (VCV003016227.3), dbSNP rs181347484, ClinGen allele CA5375082.

ClinVar aggregate classification (germline): Uncertain significance (1 of 4 stars; one submission).

Conditions:
Kleefstra syndrome 1 (KLEFS1). Identifiers: Orphanet 261494, MedGen C0795833, MONDO:0027407, OMIM 610253.

Allele frequency attached by ClinVar (database versions not stated): ExAC 0.00003; 1000 Genomes Project 0.00040; TOPMed 0.00006; 1000 Genomes Project 30x 0.00047; gnomAD exomes 0.00001; gnomAD 0.00004.
gnomAD v4.1: 25 of 1,600,840 alleles (0.0016%); highest among the groups gnomAD compares: East Asian, 0.031%; no homozygotes.

Submission:

Labcorp Genetics (formerly Invitae), Labcorp
Classification: Uncertain significance for Kleefstra syndrome 1. Last evaluated: 2025-09-05. Review status: criteria provided, single submitter. Criteria: Invitae Variant Classification Sherloc (09022015). Collection method: clinical testing. Allele origin: germline.
Comment: This sequence change replaces valine, which is neutral and non-polar, with isoleucine, which is neutral and non-polar, at codon 956 of the EHMT1 protein (p.Val956Ile). This variant is present in population databases (rs181347484, gnomAD 0.02%). This variant has not been reported in the literature in individuals affected with EHMT1-related conditions. This missense change has been observed in at least one individual who was not affected with EHMT1-related conditions (internal data). ClinVar contains an entry for this variant (Variation ID: 3016227). An algorithm developed to predict the effect of missense changes on protein structure and function (PolyPhen-2) suggests that this variant is likely to be tolerated. In summary, the available evidence is currently insufficient to determine the role of this variant in disease. Therefore, it has been classified as a Variant of Uncertain Significance.